The following is an entry in ClinVar:

ClinVar aggregate classification (germline): Uncertain significance (1 of 4 stars; one submission).

Conditions:
Progressive myoclonic epilepsy type 9. Identifiers: Orphanet 457265, MedGen C4225289, MONDO:0014685, OMIM 616540.
Lipodystrophy, partial, acquired, susceptibility to (APLD). Also called: APLD, SUSCEPTIBILITY TO. Identifiers: MedGen C3887501, MONDO:0100476, OMIM 608709.

Allele frequency attached by ClinVar (database versions not stated): gnomAD 0.00001; gnomAD exomes 0.00001 and 0.00002; ExAC 0.00002; TOPMed 0.00002.
gnomAD v4.1: 11 of 1,613,722 alleles (0.00068%); highest among the groups gnomAD compares: East Asian, 0.0022%; no homozygotes.

Submission:

Labcorp Genetics (formerly Invitae), Labcorp
Classification: Uncertain significance for Progressive myoclonic epilepsy type 9; Lipodystrophy, partial, acquired, susceptibility to. Last evaluated: 2020-03-23. Review status: criteria provided, single submitter. Criteria: Invitae Variant Classification Sherloc (09022015). Collection method: clinical testing. Allele origin: germline.
Comment: In summary, the available evidence is currently insufficient to determine the role of this variant in disease. Therefore, it has been classified as a Variant of Uncertain Significance. Algorithms developed to predict the effect of missense changes on protein structure and function (SIFT, PolyPhen-2, Align-GVGD) all suggest that this variant is likely to be disruptive, but these predictions have not been confirmed by published functional studies and their clinical significance is uncertain. This variant has not been reported in the literature in individuals with LMNB2-related conditions. This variant is present in population databases (rs755832231, ExAC 0.003%). This sequence change replaces glutamic acid with lysine at codon 130 of the LMNB2 protein (p.Glu130Lys). The glutamic acid residue is highly conserved and there is a small physicochemical difference between glutamic acid and lysine.

NM_032737.4(LMNB2):c.388G>A (p.Glu130Lys)

Gene: LMNB2 (lamin B2; minus strand). Cytogenetic location: 19p13.3.
Variant type: single nucleotide variant.
Coding change: c.388G>A on transcript NM_032737.4 (MANE Select); coding-DNA position 388, G replaced by A.
Protein change: p.Glu130Lys; replaces glutamic acid 130 with lysine.
Molecular consequence: missense variant.
Genome position (GRCh38, 1-based): chr19:2,444,417, C>T on the plus strand (G>A on the coding strand, the complement: LMNB2 is on the minus strand). VCF-style: chr19-2444417-C-T. GRCh37 (hg19) VCF-style: chr19-2444415-C-T.
Other names: short protein forms E130K.
Identifiers: ClinVar variation 858626 (VCV000858626.9), dbSNP rs755832231, ClinGen allele CA9067927.